The following is an entry in ClinVar:

ClinVar aggregate classification (germline): Conflicting classifications of pathogenicity. Review status: criteria provided, conflicting classifications (1 of 4 stars). 3 submissions from 3 submitters: Likely pathogenic (1); Uncertain significance (1). 1 of the submissions does not count toward it. Last evaluated 2026-04-14.

Conditions:
Familial intrahepatic cholestasis. Identifiers: Orphanet 284385, MedGen CN296401, MONDO:0017290.
Benign recurrent intrahepatic cholestasis type 2 (BRIC2). Also called: Recurrent familial intrahepatic cholestasis 2. Identifiers: Orphanet 65682, Orphanet 99961, MedGen C2608083, MONDO:0011559, OMIM 605479.

Submissions (3):

Genomenon, Inc
Classification: Uncertain significance for Familial intrahepatic cholestasis. Last evaluated: 2026-04-14. Review status: criteria provided, single submitter. Criteria: Genomenon Sequence Variant Interpretation Standards - Updated. Collection method: curation. Allele origin: germline. Affected: yes.
Comment: ABCB11 p.Arg432Thr (c.1295G>C) is a missense variant that changes the amino acid at residue 432 from Arginine to Threonine. This variant has been observed in at least one proband with an ABCB11-related disorder (PMID:16039748). It has been observed in trans with a pathogenic or likely pathogenic variant (PMID:16039748). Functional studies have been reported (PMID:40195555;19101985;16039748;24711118). It is absent or not present at a significant frequency in gnomAD. In silico models predict that this variant is possibly or probably damaging. In conclusion, we classify ABCB11 p.Arg432Thr (c.1295G>C) as a variant of uncertain significance.

Labcorp Genetics (formerly Invitae), Labcorp
Classification: Likely pathogenic. Last evaluated: 2021-11-03. Review status: criteria provided, single submitter. Criteria: Invitae Variant Classification Sherloc (09022015). Collection method: clinical testing. Allele origin: germline.
Comment: This missense change has been observed in individual(s) with ABCB11-related conditions (PMID: 16039748, 19101985). In at least one individual the data is consistent with the variant being in trans (on the opposite chromosome) from a pathogenic variant. This variant is not present in population databases (gnomAD no frequency). This sequence change replaces arginine, which is basic and polar, with threonine, which is neutral and polar, at codon 432 of the ABCB11 protein (p.Arg432Thr). ClinVar contains an entry for this variant (Variation ID: 6595). Experimental studies have shown that this missense change affects ABCB11 function (PMID: 16039748, 24711118). In summary, the currently available evidence indicates that the variant is pathogenic, but additional data are needed to prove that conclusively. Therefore, this variant has been classified as Likely Pathogenic. Advanced modeling of protein sequence and biophysical properties (such as structural, functional, and spatial information, amino acid conservation, physicochemical variation, residue mobility, and thermodynamic stability) performed at Invitae indicates that this missense variant is expected to disrupt ABCB11 protein function.

OMIM
Classification: Pathogenic for CHOLESTASIS, BENIGN RECURRENT INTRAHEPATIC, 2. Last evaluated: 2005-09-01. Review status: no assertion criteria provided. Collection method: literature only. Allele origin: germline. Not counted in ClinVar's aggregate classification.

Literature cited by the submitters: PubMed 16039748 (cited by 3 submitters); PubMed 40195555 (cited by Genomenon, Inc); PubMed 19101985 (cited by Genomenon, Inc and Labcorp Genetics (formerly Invitae), Labcorp); PubMed 24711118 (cited by Genomenon, Inc and Labcorp Genetics (formerly Invitae), Labcorp).

NM_003742.4(ABCB11):c.1295G>C (p.Arg432Thr)

Gene: ABCB11 (ATP binding cassette subfamily B member 11; minus strand). Cytogenetic location: 2q31.1.
Variant type: single nucleotide variant.
Coding change: c.1295G>C on transcript NM_003742.4 (MANE Select); coding-DNA position 1295, G replaced by C.
Protein change: p.Arg432Thr; replaces arginine 432 with threonine.
Molecular consequence: missense variant.
Genome position (GRCh38, 1-based): chr2:168,976,590, C>G on the plus strand (G>C on the coding strand, the complement: ABCB11 is on the minus strand). VCF-style: chr2-168976590-C-G. GRCh37 (hg19) VCF-style: chr2-169833100-C-G.
Other names: c.1295G>C, p.Arg432Thr (LRG_1199t1); short protein forms R432T.
Identifiers: ClinVar variation 6595 (VCV000006595.7), dbSNP rs121908935, ClinGen allele CA253880.